The following is an entry in ClinVar:

NM_022482.5(GZF1):c.1826T>C (p.Ile609Thr)

Gene: GZF1 (GDNF inducible zinc finger protein 1; plus strand). Cytogenetic location: 20p11.21.
Variant type: single nucleotide variant.
Coding change: c.1826T>C on transcript NM_022482.5 (MANE Select); coding-DNA position 1826, T replaced by C.
Protein change: p.Ile609Thr; replaces isoleucine 609 with threonine.
Molecular consequence: missense variant. On other transcripts: intron variant (1).
Genome position (GRCh38, 1-based): chr20:23,370,131, T>C. VCF-style: chr20-23370131-T-C. GRCh37 (hg19) VCF-style: chr20-23350768-T-C.
Other names: c.1826T>C, p.Ile609Thr (NM_001317012.2); c.1786-6T>C (NM_001317019.1); short protein forms I609T.
Identifiers: ClinVar variation 1439678 (VCV001439678.6), dbSNP rs2123082119, ClinGen allele CA408414897.

ClinVar aggregate classification (germline): Uncertain significance (1 of 4 stars; one submission).

Allele frequency attached by ClinVar (database versions not stated): gnomAD exomes below 0.00001.
gnomAD v4.1: 2 of 1,614,228 alleles (0.00012%); highest among the groups gnomAD compares: Non-Finnish European, 0.00017%; no homozygotes.

Submission:

Labcorp Genetics (formerly Invitae), Labcorp
Classification: Uncertain significance. Last evaluated: 2021-11-14. Review status: criteria provided, single submitter. Criteria: Invitae Variant Classification Sherloc (09022015). Collection method: clinical testing. Allele origin: germline.
Comment: This variant has not been reported in the literature in individuals affected with GZF1-related conditions. This variant is not present in population databases (gnomAD no frequency). This sequence change replaces isoleucine, which is neutral and non-polar, with threonine, which is neutral and polar, at codon 609 of the GZF1 protein (p.Ile609Thr). Algorithms developed to predict the effect of missense changes on protein structure and function are either unavailable or do not agree on the potential impact of this missense change (SIFT: "Not Available"; PolyPhen-2: "Benign"; Align-GVGD: "Not Available"). In summary, the available evidence is currently insufficient to determine the role of this variant in disease. Therefore, it has been classified as a Variant of Uncertain Significance.